The following is an entry in ClinVar:

NM_001370259.2(MEN1):c.861G>C (p.Glu287Asp)

Gene: MEN1 (menin 1; minus strand). Cytogenetic location: 11q13.1.
Variant type: single nucleotide variant.
Coding change: c.861G>C on transcript NM_001370259.2 (MANE Select); coding-DNA position 861, G replaced by C.
Protein change: p.Glu287Asp; replaces glutamic acid 287 with aspartic acid.
Molecular consequence: missense variant. On other transcripts: non-coding transcript variant (4).
Genome position (GRCh38, 1-based): chr11:64,807,062, C>G on the plus strand (G>C on the coding strand, the complement: MEN1 is on the minus strand). VCF-style: chr11-64807062-C-G. GRCh37 (hg19) VCF-style: chr11-64574534-C-G.
Other names: c.876G>C, p.Glu292Asp (NM_000244.4, NM_001407145.1, NM_001407150.1 and 5 more transcripts); c.861G>C, p.Glu287Asp (NM_001370251.2, NM_001370260.2, NM_001370261.2 and 7 more transcripts); c.756G>C, p.Glu252Asp (NM_001370262.2, NM_001370263.2, NM_001407148.1 and 2 more transcripts); short protein forms E252D, E287D, E292D.
Identifiers: ClinVar variation 2886355 (VCV002886355.3), dbSNP rs1336658836, ClinGen allele CA381183598.

ClinVar aggregate classification (germline): Uncertain significance (1 of 4 stars; one submission).

Conditions:
Multiple endocrine neoplasia, type 1 (MEN1). Also called: MEN I; WERMER SYNDROME; Endocrine adenomatosis multiple; MEN 1; MEA I. Identifiers: Orphanet 652, MedGen C0025267, MeSH D018761, MONDO:0007540, OMIM 131100.

Submission:

Labcorp Genetics (formerly Invitae), Labcorp
Classification: Uncertain significance for Multiple endocrine neoplasia, type 1. Last evaluated: 2023-11-02. Review status: criteria provided, single submitter. Criteria: Invitae Variant Classification Sherloc (09022015). Collection method: clinical testing. Allele origin: germline.
Comment: This sequence change replaces glutamic acid, which is acidic and polar, with aspartic acid, which is acidic and polar, at codon 287 of the MEN1 protein (p.Glu287Asp). This variant is not present in population databases (gnomAD no frequency). This variant has not been reported in the literature in individuals affected with MEN1-related conditions. Advanced modeling of protein sequence and biophysical properties (such as structural, functional, and spatial information, amino acid conservation, physicochemical variation, residue mobility, and thermodynamic stability) performed at Invitae indicates that this missense variant is expected to disrupt MEN1 protein function with a positive predictive value of 95%. In summary, the available evidence is currently insufficient to determine the role of this variant in disease. Therefore, it has been classified as a Variant of Uncertain Significance.